The following is an entry in ClinVar:

NM_000435.3(NOTCH3):c.6201dup (p.Gly2068fs)

Gene: NOTCH3 (notch receptor 3; minus strand). Cytogenetic location: 19p13.12.
Variant type: Duplication.
Coding change: c.6201dup on transcript NM_000435.3 (MANE Select); coding-DNA position 6201, one base duplicated (C; older notation c.6201dupC).
Protein change: p.Gly2068fs; shifts the reading frame from glycine 2068.
Molecular consequence: frameshift variant.
Genome position (GRCh38, 1-based): chr19:15,161,427, G duplicated on the plus strand (C on the coding strand, the reverse complement: NOTCH3 is on the minus strand); the first of 6 consecutive G bases (chr19:15,161,427-15,161,432); duplicating any one gives the same sequence. VCF-style (leftmost placement, unchanged base first): chr19-15161426-C-CG. GRCh37 (hg19) VCF-style: chr19-15272237-C-CG.
Other names: c.6201dup (NM_000435.2); short protein forms G2068fs.
Identifiers: ClinVar variation 2986321 (VCV002986321.5), dbSNP rs760917811, ClinGen allele CA632127889.

ClinVar aggregate classification (germline): Conflicting classifications of pathogenicity. Review status: criteria provided, conflicting classifications (1 of 4 stars). 2 submissions from 2 submitters: Likely pathogenic (1); Uncertain significance (1). Last evaluated 2026-03-30.

Submissions (2):

GeneDx
Classification: Likely pathogenic. Last evaluated: 2026-03-30. Review status: criteria provided, single submitter. Criteria: GeneDx Variant Classification Process June 2021. Collection method: clinical testing. Allele origin: germline.
Comment: Frameshift variant predicted to result in abnormal protein length as the last 254 amino acids are replaced with 26 different amino acids, and other similar variants have been reported in HGMD; Not observed at significant frequency in large population cohorts (gnomAD); This variant is associated with the following publications: (PMID: 32573853)

Labcorp Genetics (formerly Invitae), Labcorp
Classification: Uncertain significance. Last evaluated: 2023-06-15. Review status: criteria provided, single submitter. Criteria: Invitae Variant Classification Sherloc (09022015). Collection method: clinical testing. Allele origin: germline.
Comment: This variant is not present in population databases (gnomAD no frequency). This sequence change creates a premature translational stop signal (p.Gly2068Argfs*27) in the NOTCH3 gene. While this is not anticipated to result in nonsense mediated decay, it is expected to disrupt the last 254 amino acid(s) of the NOTCH3 protein. This variant has not been reported in the literature in individuals affected with NOTCH3-related conditions. In summary, the available evidence is currently insufficient to determine the role of this variant in disease. Therefore, it has been classified as a Variant of Uncertain Significance. Experimental studies and prediction algorithms are not available or were not evaluated, and the functional significance of this variant is currently unknown.